The following is an entry in ClinVar:

ClinVar aggregate classification (germline): Likely pathogenic (1 of 4 stars; one submission).

gnomAD v4.1: 30 of 1,611,526 alleles (0.0019%); highest among the groups gnomAD compares: Non-Finnish European, 0.0025%; no homozygotes.

Submission:

Labcorp Genetics (formerly Invitae), Labcorp
Classification: Likely pathogenic. Last evaluated: 2025-04-01. Review status: criteria provided, single submitter. Criteria: Invitae Variant Classification Sherloc (09022015). Collection method: clinical testing. Allele origin: germline.
Comment: This sequence change affects an acceptor splice site in intron 13 of the RTTN gene. It is expected to disrupt RNA splicing. Variants that disrupt the donor or acceptor splice site typically lead to a loss of protein function (PMID: 16199547), and loss-of-function variants in RTTN are known to be pathogenic (PMID: 26608784, 26846091). This variant is not present in population databases (gnomAD no frequency). This variant has not been reported in the literature in individuals affected with RTTN-related conditions. Algorithms developed to predict the effect of sequence changes on RNA splicing suggest that this variant may disrupt the consensus splice site. In summary, the currently available evidence indicates that the variant is pathogenic, but additional data are needed to prove that conclusively. Therefore, this variant has been classified as Likely Pathogenic.

Literature cited by the submitters: PubMed 16199547; PubMed 26608784; PubMed 26846091.

NM_173630.4(RTTN):c.1803-2A>C

Gene: RTTN (rotatin; minus strand). Cytogenetic location: 18q22.2.
Variant type: single nucleotide variant.
Coding change: c.1803-2A>C on transcript NM_173630.4 (MANE Select); the canonical splice acceptor site of the intron before coding-DNA position 1803, A replaced by C.
Molecular consequence: splice acceptor variant.
Genome position (GRCh38, 1-based): chr18:70,166,190, T>G on the plus strand (A>C on the coding strand, the complement: RTTN is on the minus strand). VCF-style: chr18-70166190-T-G. GRCh37 (hg19) VCF-style: chr18-67833426-T-G.
Other names: c.-845-2A>C (NM_001318520.2).
Identifiers: ClinVar variation 4741766 (VCV004741766.1).